The following is an entry in ClinVar:

NM_000264.5(PTCH1):c.2911T>A (p.Tyr971Asn)

Gene: PTCH1 (patched 1; minus strand). Cytogenetic location: 9q22.32.
Variant type: single nucleotide variant.
Coding change: c.2911T>A on transcript NM_000264.5 (MANE Select); coding-DNA position 2911, T replaced by A.
Protein change: p.Tyr971Asn; replaces tyrosine 971 with asparagine.
Molecular consequence: missense variant. On other transcripts: non-coding transcript variant (1).
Genome position (GRCh38, 1-based): chr9:95,458,270, A>T on the plus strand (T>A on the coding strand, the complement: PTCH1 is on the minus strand). VCF-style: chr9-95458270-A-T. GRCh37 (hg19) VCF-style: chr9-98220552-A-T.
Other names: c.2713T>A, p.Tyr905Asn (NM_001083602.3); c.2908T>A, p.Tyr970Asn (NM_001083603.3); c.2458T>A, p.Tyr820Asn (NM_001083604.3, NM_001083605.3, NM_001083606.3 and 1 more transcripts); c.2755T>A, p.Tyr919Asn (NM_001354918.2); short protein forms Y905N, Y971N, Y820N, Y919N, Y970N.
Identifiers: ClinVar variation 3427183 (VCV003427183.2).

ClinVar aggregate classification (germline): Uncertain significance (1 of 4 stars; one submission).

Conditions:
Hereditary cancer-predisposing syndrome. Also called: Tumor predisposition; Hereditary Cancer Syndrome; Hereditary neoplastic syndrome; Neoplastic Syndromes, Hereditary. Identifiers: Orphanet 140162, MedGen C0027672, MeSH D009386, MONDO:0015356.

Submission:

Ambry Genetics
Classification: Uncertain significance for Hereditary cancer-predisposing syndrome. Last evaluated: 2026-07-29. Review status: criteria provided, single submitter. Criteria: Ambry Variant Classification Scheme 2023. Collection method: clinical testing. Allele origin: germline.
Comment: The p.Y971N variant (also known as c.2911T>A), located in coding exon 18 of the PTCH1 gene, results from a T to A substitution at nucleotide position 2911. The tyrosine at codon 971 is replaced by asparagine, an amino acid with dissimilar properties. This amino acid position is conserved. In addition, this alteration is predicted to be deleterious by in silico analysis. Based on the available evidence, the clinical significance of this variant remains unclear.